The following is an entry in ClinVar:

NM_007055.4(POLR3A):c.3891+2T>C

Gene: POLR3A (RNA polymerase III subunit A; minus strand). Cytogenetic location: 10q22.3.
Variant type: single nucleotide variant.
Coding change: c.3891+2T>C on transcript NM_007055.4 (MANE Select); the canonical splice donor site of the intron after coding-DNA position 3891, T replaced by C.
Molecular consequence: splice donor variant.
Genome position (GRCh38, 1-based): chr10:77,981,426, A>G on the plus strand (T>C on the coding strand, the complement: POLR3A is on the minus strand). VCF-style: chr10-77981426-A-G. GRCh37 (hg19) VCF-style: chr10-79741184-A-G.
Identifiers: ClinVar variation 1481639 (VCV001481639.6), dbSNP rs2131926729, ClinGen allele CA377326313.

ClinVar aggregate classification (germline): Likely pathogenic (1 of 4 stars; one submission).

Submission:

Labcorp Genetics (formerly Invitae), Labcorp
Classification: Likely pathogenic. Last evaluated: 2021-11-15. Review status: criteria provided, single submitter. Criteria: Invitae Variant Classification Sherloc (09022015). Collection method: clinical testing. Allele origin: germline.
Comment: This sequence change affects a donor splice site in intron 29 of the POLR3A gene. It is expected to disrupt RNA splicing. Variants that disrupt the donor or acceptor splice site typically lead to a loss of protein function (PMID: 16199547), and loss-of-function variants in POLR3A are known to be pathogenic (PMID: 21855841, 25339210, 27612211, 30414627, 30450527). This variant is not present in population databases (gnomAD no frequency). In summary, the currently available evidence indicates that the variant is pathogenic, but additional data are needed to prove that conclusively. Therefore, this variant has been classified as Likely Pathogenic. Algorithms developed to predict the effect of sequence changes on RNA splicing suggest that this variant may disrupt the consensus splice site. This variant has not been reported in the literature in individuals affected with POLR3A-related conditions.

Literature cited by the submitters: PubMed 16199547; PubMed 21855841; PubMed 25339210; PubMed 27612211; PubMed 30414627; PubMed 30450527.